The following is an entry in ClinVar:

ClinVar aggregate classification (germline): Pathogenic (1 of 4 stars; one submission).

Conditions:
Parkinsonism-dystonia, infantile. Identifiers: Orphanet 238455, MedGen C2751067, MONDO:0013150.

Submission:

Labcorp Genetics (formerly Invitae), Labcorp
Classification: Pathogenic for Parkinsonism-dystonia, infantile. Last evaluated: 2024-03-05. Review status: criteria provided, single submitter. Criteria: Invitae Variant Classification Sherloc (09022015). Collection method: clinical testing. Allele origin: germline.
Comment: This sequence change creates a premature translational stop signal (p.Phe114Serfs*25) in the SLC6A3 gene. It is expected to result in an absent or disrupted protein product. Loss-of-function variants in SLC6A3 are known to be pathogenic (PMID: 21112253). This variant is not present in population databases (gnomAD no frequency). This variant has not been reported in the literature in individuals affected with SLC6A3-related conditions. For these reasons, this variant has been classified as Pathogenic.

Literature cited by the submitters: PubMed 21112253.

NM_001044.5(SLC6A3):c.341del (p.Phe114fs)

Gene: SLC6A3 (solute carrier family 6 member 3). Cytogenetic location: 5p15.33.
Variant type: Deletion.
Coding change: c.341del on transcript NM_001044.5 (MANE Select); coding-DNA position 341, one base deleted.
Protein change: p.Phe114fs; shifts the reading frame from phenylalanine 114.
Molecular consequence: frameshift variant.
Genome position: GRCh38 VCF-style: chr5-1441435-GA-G. GRCh37 (hg19) VCF-style: chr5-1441550-GA-G.
Other names: short protein forms F114fs.
Identifiers: ClinVar variation 3641931 (VCV003641931.2).